The following is an entry in ClinVar:

ClinVar aggregate classification (germline): Pathogenic (1 of 4 stars; one submission).

Conditions:
Fabry disease. Also called: ALPHA-GALACTOSIDASE A DEFICIENCY; ANDERSON-FABRY DISEASE; CERAMIDE TRIHEXOSIDASE DEFICIENCY; GLA DEFICIENCY; HEREDITARY DYSTOPIC LIPIDOSIS; Angiokeratoma corporis diffusum. Identifiers: Orphanet 324, MedGen C0002986, MONDO:0010526, OMIM 301500, HP:0001071. Disease mechanism: Fabry disease is due to inactivating mutations in the X-linked GLA gene resulting in deficiency of the enzyme Alpha Galactosidase-A., loss of function.

Submission:

Genomenon, Inc
Classification: Pathogenic for Fabry disease. Last evaluated: 2026-09-08. Review status: criteria provided, single submitter. Criteria: Genomenon Sequence Variant Interpretation Standards - Updated. Collection method: curation. Allele origin: germline. Affected: yes.
Comment: GLA p.Asp93Val (c.278A>T) is a missense variant that changes the amino acid at codon 93 from Aspartic acid to Valine. This variant has been observed in at least one proband with clinical features consistent with Fabry disease (PMID:18205205;16595074). At least one functional study has demonstrated a substantial alteration in protein function relative to the wild-type (PMID:18205205;27657681). This variant is located in a mutational hotspot and/or important functional domain. It is absent or not present at a significant frequency in gnomAD. In silico models predict that this variant is possibly or probably damaging. In conclusion, we classify GLA p.Asp93Val (c.278A>T) as a pathogenic variant.

Literature cited by the submitters: PubMed 18205205; PubMed 16595074; PubMed 27657681.

NM_000169.3(GLA):c.278A>T (p.Asp93Val)

Genes: GLA (galactosidase alpha; minus strand), RPL36A-HNRNPH2 (RPL36A-HNRNPH2 readthrough; plus strand). Cytogenetic location: Xq22.1.
Variant type: single nucleotide variant.
Coding change: c.278A>T on transcript NM_000169.3 (MANE Select); coding-DNA position 278, A replaced by T.
Protein change: p.Asp93Val; replaces aspartic acid 93 with valine.
Molecular consequence: missense variant. On other transcripts: non-coding transcript variant (3), intron variant (2).
Genome position (GRCh38, 1-based): chrX:101,403,902, T>A on the plus strand (A>T on the coding strand, the complement: GLA is on the minus strand). VCF-style: chrX-101403902-T-A. GRCh37 (hg19) VCF-style: chrX-100658890-T-A.
Other names: c.401A>T, p.Asp134Val (NM_001406747.1, NM_001406749.1); c.278A>T, p.Asp93Val (NM_001406748.1); c.301-8034T>A (NM_001199973.2); c.178-8034T>A (NM_001199974.2); short protein forms D134V, D93V.
Identifiers: ClinVar variation 4087325 (VCV004087325.2).
Genomic context (GRCh38, chrX:101,403,902, plus strand): 5'-AAGCGCTGAGGGTCTGCCTGAAGTCTGCCTTCTGAATCTCTTTGGGGAGCCATCCAACAG[T>A]CATCAATGCAGAGGTACTCATAACCTGCATCCTTCCAGCCTTCTGAGACCATGAGCTCTG-3'
Protein context (NP_000160.1, residues 83-103): DAGYEYLCID[Asp93Val]CWMAPQRDSE